The following is an entry in ClinVar:

ClinVar aggregate classification (germline): Uncertain significance (1 of 4 stars; one submission).

Allele frequency attached by ClinVar (database versions not stated): TOPMed below 0.00001.

Submission:

Labcorp Genetics (formerly Invitae), Labcorp
Classification: Uncertain significance. Last evaluated: 2023-08-29. Review status: criteria provided, single submitter. Criteria: Invitae Variant Classification Sherloc (09022015). Collection method: clinical testing. Allele origin: germline.
Comment: In summary, the available evidence is currently insufficient to determine the role of this variant in disease. Therefore, it has been classified as a Variant of Uncertain Significance. Advanced modeling of protein sequence and biophysical properties (such as structural, functional, and spatial information, amino acid conservation, physicochemical variation, residue mobility, and thermodynamic stability) performed at Invitae indicates that this missense variant is not expected to disrupt ENPP1 protein function. This variant has not been reported in the literature in individuals affected with ENPP1-related conditions. This variant is not present in population databases (gnomAD no frequency). This sequence change replaces leucine, which is neutral and non-polar, with phenylalanine, which is neutral and non-polar, at codon 624 of the ENPP1 protein (p.Leu624Phe).

NM_006208.3(ENPP1):c.1870C>T (p.Leu624Phe)

Gene: ENPP1 (ectonucleotide pyrophosphatase/phosphodiesterase 1; plus strand). Cytogenetic location: 6q23.2.
Variant type: single nucleotide variant.
Coding change: c.1870C>T on transcript NM_006208.3 (MANE Select); coding-DNA position 1870, C replaced by T.
Protein change: p.Leu624Phe; replaces leucine 624 with phenylalanine.
Molecular consequence: missense variant.
Genome position (GRCh38, 1-based): chr6:131,877,138, C>T. VCF-style: chr6-131877138-C-T. GRCh37 (hg19) VCF-style: chr6-132198278-C-T.
Other names: short protein forms L624F.
Identifiers: ClinVar variation 2847824 (VCV002847824.3), dbSNP rs1193565754, ClinGen allele CA365652549.